The following is an entry in ClinVar:

ClinVar aggregate classification (germline): Uncertain significance (1 of 4 stars; one submission).

Conditions:
Duchenne muscular dystrophy (DMD). Also called: Duchenne Muscular Dystrophy (DMD); MUSCULAR DYSTROPHY, PSEUDOHYPERTROPHIC PROGRESSIVE, DUCHENNE TYPE. Identifiers: Orphanet 98896, MedGen C0013264, MONDO:0010679, OMIM 310200.

Submission:

Institute of Human Genetics, University of Leipzig Medical Center
Classification: Uncertain significance for Duchenne muscular dystrophy. Last evaluated: 2023-06-27. Review status: criteria provided, single submitter. Criteria: ACMG Guidelines, 2015. Collection method: clinical testing. Allele origin: unknown. Inheritance: X-linked recessive inheritance. Affected: yes.
Comment: Criteria applied: PS4_SUP,PM2_SUP,PP3,PP4

NM_004006.3(DMD):c.4519-7A>G

Gene: DMD (dystrophin; minus strand). Cytogenetic location: Xp21.1.
Variant type: single nucleotide variant.
Coding change: c.4519-7A>G on transcript NM_004006.3 (MANE Select); 7 bases into the intron before coding-DNA position 4519, A replaced by G.
Molecular consequence: intron variant.
Genome position (GRCh38, 1-based): chrX:32,386,472, T>C on the plus strand (A>G on the coding strand, the complement: DMD is on the minus strand). VCF-style: chrX-32386472-T-C. GRCh37 (hg19) VCF-style: chrX-32404589-T-C.
Other names: c.4495-7A>G (NM_000109.4); c.496-7A>G (NM_004011.4); c.487-7A>G (NM_004012.4); c.4507-7A>G (NM_004009.3); c.4150-7A>G (NM_004010.3).
Identifiers: ClinVar variation 2576585 (VCV002576585.2), dbSNP rs750952505, ClinGen allele CA2580616934.
Genomic context (GRCh38, chrX:32,386,472, plus strand): 5'-CTTTATCACCATTTCCACTTCAGACTTCACTTCACTCAGACTTTTATACAAGTTCTAAGT[T>C]TAAACATAAAACAAAACATGATAATCAGTAGAGTTAAATTATTTCATAATATTATGAACA-3'